The following is an entry in ClinVar:

NM_145059.3(FCSK):c.599T>C (p.Ile200Thr)

Gene: FCSK (fucose kinase; plus strand). Cytogenetic location: 16q22.1.
Variant type: single nucleotide variant.
Coding change: c.599T>C on transcript NM_145059.3 (MANE Select); coding-DNA position 599, T replaced by C.
Protein change: p.Ile200Thr; replaces isoleucine 200 with threonine.
Molecular consequence: missense variant.
Genome position (GRCh38, 1-based): chr16:70,467,902, T>C. VCF-style: chr16-70467902-T-C. GRCh37 (hg19) VCF-style: chr16-70501805-T-C.
Other names: short protein forms I200T.
Identifiers: ClinVar variation 3610895 (VCV003610895.2).
Genomic context (GRCh38, chr16:70,467,902, plus strand): 5'-CCCTTCCTGCTCCCTCCGCTGATTCTGTTTCTCCCTGCACATAGGGCCTTGTTTTGGACA[T>C]TTACTACCAGGGCACTGAGGCAGAGATTCAGCGGTGTGTCAGGCCTGATGGGCGGGTGCC-3'
Protein context (NP_659496.2, residues 190-210): LTDPQGLVLD[Ile200Thr]YYQGTEAEIQ

ClinVar aggregate classification (germline): Uncertain significance (1 of 4 stars; one submission).

gnomAD v4.1: 92 of 1,613,978 alleles (0.0057%); highest among the groups gnomAD compares: Non-Finnish European, 0.0012%; 1 homozygote.

Submission:

Labcorp Genetics (formerly Invitae), Labcorp
Classification: Uncertain significance. Last evaluated: 2025-09-26. Review status: criteria provided, single submitter. Criteria: Invitae Variant Classification Sherloc (09022015). Collection method: clinical testing. Allele origin: germline.
Comment: This sequence change replaces isoleucine, which is neutral and non-polar, with threonine, which is neutral and polar, at codon 200 of the FUK protein (p.Ile200Thr). This variant is present in population databases (rs756967589, gnomAD 0.1%), and has an allele count higher than expected for a pathogenic variant. This variant has not been reported in the literature in individuals affected with FUK-related conditions. ClinVar contains an entry for this variant (Variation ID: 3610895). An algorithm developed to predict the effect of missense changes on protein structure and function (PolyPhen-2) suggests that this variant is likely to be disruptive. In summary, the available evidence is currently insufficient to determine the role of this variant in disease. Therefore, it has been classified as a Variant of Uncertain Significance.